The following is an entry in ClinVar:

ClinVar aggregate classification (germline): Conflicting classifications of pathogenicity. Review status: criteria provided, conflicting classifications (1 of 4 stars). 5 submissions from 5 submitters: Uncertain significance (3); Likely benign (2). Last evaluated 2026-02-01.

Conditions:
Colorectal cancer, susceptibility to, 12 (CRCS12). Also called: COLORECTAL CANCER, SUSCEPTIBILITY TO, ON CHROMOSOME 12q24. Identifiers: Orphanet 220460, MedGen C3554460, MONDO:0014038, OMIM 615083.
Facial dysmorphism-immunodeficiency-livedo-short stature syndrome. Also called: Facial dysmorphism, immunodeficiency, livedo, and short stature; FILS syndrome. Identifiers: Orphanet 352712, MedGen C3554576, MONDO:0014058, OMIM 615139.
Intrauterine growth retardation, metaphyseal dysplasia, adrenal hypoplasia congenita, genital anomalies, and immunodeficiency. Also called: IMAGEI SYNDROME. Identifiers: MedGen C5193036, MONDO:0032684, OMIM 618336.
Hereditary cancer-predisposing syndrome. Also called: Tumor predisposition; Neoplastic Syndromes, Hereditary; Hereditary Cancer Syndrome; Hereditary neoplastic syndrome. Identifiers: Orphanet 140162, MedGen C0027672, MeSH D009386, MONDO:0015356.

Allele frequency attached by ClinVar (database versions not stated): gnomAD 0.00001; TOPMed 0.00002; ExAC 0.00008.
gnomAD v4.1: 30 of 1,614,098 alleles (0.0019%); highest among the groups gnomAD compares: Admixed American, 0.048%; no homozygotes.

Submissions (5):

Labcorp Genetics (formerly Invitae), Labcorp
Classification: Likely benign. Last evaluated: 2026-02-01. Review status: criteria provided, single submitter. Criteria: Invitae Variant Classification Sherloc (09022015). Collection method: clinical testing. Allele origin: germline.

GeneDx
Classification: Uncertain significance. Last evaluated: 2024-12-04. Review status: criteria provided, single submitter. Criteria: GeneDx Variant Classification Process June 2021. Collection method: clinical testing. Allele origin: germline. Affected: yes.
Comment: In silico analysis indicates that this missense variant does not alter protein structure/function; Has not been previously published as pathogenic or benign to our knowledge

St. Jude Molecular Pathology, St. Jude Children's Research Hospital
Classification: Uncertain significance for Colorectal cancer, susceptibility to, 12. Last evaluated: 2024-05-07. Review status: criteria provided, single submitter. Criteria: St. Jude Assertion Criteria 2020. Collection method: clinical testing. Allele origin: germline.
Comment: The POLE c.94C>T (p.Leu32Phe) missense change has a maximum subpopulation frequency of 0.08% in gnomAD v2.1.1. The in silico tool REVEL predicts a benign effect on protein function, but to our knowledge this prediction has not been confirmed by functional studies. To our knowledge, this variant has not been reported as pathogenic in individuals with POLE-related disease. In summary, the evidence currently available is insufficient to determine the clinical significance of this variant. It has therefore been classified as of uncertain significance.

Ambry Genetics
Classification: Likely benign for Hereditary cancer-predisposing syndrome. Last evaluated: 2022-12-01. Review status: criteria provided, single submitter. Criteria: Ambry Variant Classification Scheme 2023. Collection method: clinical testing. Allele origin: germline.

Center for Genomics, Ann and Robert H. Lurie Children's Hospital of Chicago
Classification: Uncertain significance for Colorectal cancer, susceptibility to, 12; Facial dysmorphism-immunodeficiency-livedo-short stature syndrome; Intrauterine growth retardation, metaphyseal dysplasia, adrenal hypoplasia congenita, genital anomalies, and immunodeficiency. Review status: criteria provided, single submitter. Criteria: ACMG Guidelines, 2015. Collection method: clinical testing. Allele origin: germline.
Comment: POLE NM_006231.3 exon 2 p.Leu32Phe (c.94C>T): This variant has not been reported in the literature but is present in 0.07% (28/35438) of Latino alleles in the Genome Aggregation Database. This variant is present in ClinVar (Variation ID:240634). Evolutionary conservation suggests that this variant may not impact the protein; computational predictive tools for this variant are unclear. In summary, data on this variant is insufficient for disease classification. Therefore, the clinical significance of this variant is uncertain.

NM_006231.4(POLE):c.94C>T (p.Leu32Phe)

Gene: POLE (DNA polymerase epsilon, catalytic subunit; minus strand). Cytogenetic location: 12q24.33.
Variant type: single nucleotide variant.
Coding change: c.94C>T on transcript NM_006231.4 (MANE Select); coding-DNA position 94, C replaced by T.
Protein change: p.Leu32Phe; replaces leucine 32 with phenylalanine.
Molecular consequence: missense variant.
Genome position (GRCh38, 1-based): chr12:132,681,248, G>A on the plus strand (C>T on the coding strand, the complement: POLE is on the minus strand). VCF-style: chr12-132681248-G-A. GRCh37 (hg19) VCF-style: chr12-133257834-G-A.
Other names: short protein forms L32F.
Identifiers: ClinVar variation 240634 (VCV000240634.25), dbSNP rs781513537, ClinGen allele CA6894448.